The following is an entry in ClinVar:

NM_001286577.2(C2CD3):c.5028_5052dup (p.Thr1685delinsCysIleHisProSerGlyTer)

Gene: C2CD3 (C2 domain containing 3 centriole elongation regulator; minus strand). Cytogenetic location: 11q13.4.
Variant type: Duplication.
Coding change: c.5028_5052dup on transcript NM_001286577.2 (MANE Select); coding-DNA positions 5028 to 5052, 25 bases duplicated (TGTATACACCCAAGTGGTTGAAAAC).
Protein change: p.Thr1685delinsCysIleHisProSerGlyTer.
Molecular consequence: nonsense.
Genome position (GRCh38, 1-based): chr11:74,057,444-74,057,468, GTTTTCAACCACTTGGGTGTATACA duplicated on the plus strand (TGTATACACCCAAGTGGTTGAAAAC on the coding strand, the reverse complement: C2CD3 is on the minus strand); duplicating any 25 consecutive bases within chr11:74,057,444-74,057,469 gives the same sequence; the c. name uses the placement nearest the transcript's 3' end. VCF-style (leftmost placement, unchanged base first): chr11-74057443-T-TGTTTTCAACCACTTGGGTGTATACA. GRCh37 (hg19) VCF-style: chr11-73768488-T-TGTTTTCAACCACTTGGGTGTATACA.
Other names: c.5028_5052dup, p.Thr1685delinsCysIleHisProSerGlyTer (NM_015531.6).
Identifiers: ClinVar variation 5019685 (VCV005019685.2).
Genomic context (GRCh38, chr11:74,057,443, plus strand): 5'-GACGAATAACGGATAACACAAACCTTGACTGCTGTTGAAAATTCCAGATGGGGGAATCTG[T>TGTTTTCAACCACTTGGGTGTATACA]GTTTTCAACCACTTGGGTGTATACAGGAGATGACTCATCGGCTGTTGCAAAGGATACACA-3'

ClinVar aggregate classification (germline): Likely pathogenic (1 of 4 stars; one submission).

Conditions:
Orofaciodigital syndrome type 14. Also called: Orofaciodigital syndrome xiv. Identifiers: Orphanet 434179, MedGen C4706604, MONDO:0014413, OMIM 615948.

Submission:

Juno Genomics, Hangzhou Juno Genomics, Inc
Classification: Likely pathogenic for Orofaciodigital syndrome type 14. Review status: criteria provided, single submitter. Criteria: ACMG Guidelines, 2015. Collection method: clinical testing. Allele origin: germline.
Comment: Absent from controls (or at extremely low frequency if recessive) in Genome Aggregation Database.;Null variant in a gene where loss of function (LOF) is a known mechanism of disease.